The following is an entry in ClinVar:

NM_001267550.2(TTN):c.92454C>T (p.Pro30818=)

Genes: TTN (titin; minus strand), TTN-AS1 (TTN antisense RNA 1; plus strand). Cytogenetic location: 2q31.2.
Variant type: single nucleotide variant.
Coding change: c.92454C>T on transcript NM_001267550.2 (MANE Select); coding-DNA position 92454, C replaced by T.
Protein change: p.Pro30818=; no amino-acid change (proline 30818 retained).
Molecular consequence: synonymous variant.
Genome position (GRCh38, 1-based): chr2:178,549,172, G>A on the plus strand (C>T on the coding strand, the complement: TTN is on the minus strand). VCF-style: chr2-178549172-G-A. GRCh37 (hg19) VCF-style: chr2-179413899-G-A.
Other names: c.87531C>T, p.Pro29177= (NM_001256850.1); c.65259C>T, p.Pro21753= (NM_003319.4); c.84750C>T, p.Pro28250= (NM_133378.4); c.65634C>T, p.Pro21878= (NM_133432.3); c.65835C>T, p.Pro21945= (NM_133437.4).
Identifiers: ClinVar variation 332728 (VCV000332728.15), dbSNP rs771773845, ClinGen allele CA10613032.

ClinVar aggregate classification (germline): Conflicting classifications of pathogenicity. Review status: criteria provided, conflicting classifications (1 of 4 stars). 8 submissions from 4 submitters: Uncertain significance (5); Likely benign (3). Last evaluated 2025-11-12.

Conditions:
Dilated cardiomyopathy 1G (CMD1G). Identifiers: Orphanet 154, MedGen C1858763, MONDO:0011400, OMIM 604145.
Autosomal recessive limb-girdle muscular dystrophy type 2J (LGMDR10). Also called: MUSCULAR DYSTROPHY, LIMB-GIRDLE, AUTOSOMAL RECESSIVE 10; Limb-girdle muscular dystrophy, type 2J. Identifiers: Orphanet 140922, MedGen C1837342, MONDO:0012127, OMIM 608807.
Cardiovascular phenotype. Identifiers: MedGen CN230736.
Myopathy, myofibrillar, 9, with early respiratory failure (MFM9). Also called: Myopathy, distal, with early respiratory failure, autosomal dominant; Hereditary myopathy with early respiratory failure; EDSTROM MYOPATHY; MYOPATHY, PROXIMAL, WITH EARLY RESPIRATORY MUSCLE INVOLVEMENT. Identifiers: Orphanet 178464, Orphanet 34521, MedGen C1863599, MONDO:0011362, OMIM 603689.
Tibial muscular dystrophy (TMD). Also called: Udd Distal Myopathy – Tibial Muscular Dystrophy; UDD MYOPATHY; Tibial muscular dystrophy, tardive. Identifiers: Orphanet 609, MedGen C1838244, MONDO:0010870, OMIM 600334.
Early-onset myopathy with fatal cardiomyopathy (CMYO5). Also called: CONGENITAL MYOPATHY 5 WITH CARDIOMYOPATHY; Salih Myopathy. Identifiers: Orphanet 289377, MedGen C2673677, MONDO:0012714, OMIM 611705. Disease mechanism: loss of function.

Allele frequency attached by ClinVar (database versions not stated): gnomAD 0.00001 and 0.00002; gnomAD exomes 0.00001 and 0.00002; TOPMed 0.00003.
gnomAD v4.1: 32 of 1,613,602 alleles (0.002%); highest among the groups gnomAD compares: Non-Finnish European, 0.0026%; no homozygotes.

Submissions (8):

Labcorp Genetics (formerly Invitae), Labcorp
Classification: Likely benign for Dilated cardiomyopathy 1G; Autosomal recessive limb-girdle muscular dystrophy type 2J. Last evaluated: 2025-11-12. Review status: criteria provided, single submitter. Criteria: Invitae Variant Classification Sherloc (09022015). Collection method: clinical testing. Allele origin: germline.

Molecular Diagnostic Laboratory for Inherited Cardiovascular Disease, Montreal Heart Institute
Classification: Likely benign. Last evaluated: 2025-04-09. Review status: criteria provided, single submitter. Criteria: ACMG Guidelines, 2015. Collection method: clinical testing. Allele origin: germline. Affected: no.
Comment: BP1;BP6

Ambry Genetics
Classification: Likely benign for Cardiovascular phenotype. Last evaluated: 2022-11-02. Review status: criteria provided, single submitter. Criteria: Ambry Variant Classification Scheme 2023. Collection method: clinical testing. Allele origin: germline.

Illumina Laboratory Services, Illumina
Classification: Uncertain significance for Myopathy, myofibrillar, 9, with early respiratory failure. Last evaluated: 2018-01-13. Review status: criteria provided, single submitter. Criteria: ICSL Variant Classification Criteria 13 December 2019. Collection method: clinical testing. Allele origin: germline.

Illumina Laboratory Services, Illumina
Classification: Uncertain significance for Tibial muscular dystrophy. Last evaluated: 2018-01-13. Review status: criteria provided, single submitter. Criteria: ICSL Variant Classification Criteria 13 December 2019. Collection method: clinical testing. Allele origin: germline.

Illumina Laboratory Services, Illumina
Classification: Uncertain significance for Dilated cardiomyopathy 1G. Last evaluated: 2018-01-13. Review status: criteria provided, single submitter. Criteria: ICSL Variant Classification Criteria 13 December 2019. Collection method: clinical testing. Allele origin: germline.

Illumina Laboratory Services, Illumina
Classification: Uncertain significance for Early-onset myopathy with fatal cardiomyopathy. Last evaluated: 2018-01-13. Review status: criteria provided, single submitter. Criteria: ICSL Variant Classification Criteria 13 December 2019. Collection method: clinical testing. Allele origin: germline.

Illumina Laboratory Services, Illumina
Classification: Uncertain significance for Autosomal recessive limb-girdle muscular dystrophy type 2J. Last evaluated: 2018-01-13. Review status: criteria provided, single submitter. Criteria: ICSL Variant Classification Criteria 13 December 2019. Collection method: clinical testing. Allele origin: germline.